The following is an entry in ClinVar:

NM_000179.3(MSH6):c.-18G>T

Gene: MSH6 (mutS homolog 6; plus strand). Cytogenetic location: 2p16.3.
Variant type: single nucleotide variant.
Coding change: c.-18G>T on transcript NM_000179.3 (MANE Select); 18 bases upstream of the start codon, G replaced by T.
Molecular consequence: 5 prime UTR variant.
Genome position (GRCh38, 1-based): chr2:47,783,216, G>T. VCF-style: chr2-47783216-G-T. GRCh37 (hg19) VCF-style: chr2-48010355-G-T.
Other names: c.-18G>T (NM_001281492.2); c.-754G>T (NM_001281493.2).
Identifiers: ClinVar variation 89159 (VCV000089159.26), dbSNP rs199913053, ClinGen allele CA009407.

ClinVar aggregate classification (germline): Conflicting classifications of pathogenicity. Review status: criteria provided, conflicting classifications (1 of 4 stars). 11 submissions from 11 submitters: Uncertain significance (2); Benign (2); Likely benign (5). 2 of the submissions do not count toward it. Last evaluated 2025-03-04.

Conditions:
Breast and/or ovarian cancer. Identifiers: MedGen CN221562.
Hereditary cancer-predisposing syndrome. Also called: Neoplastic Syndromes, Hereditary; Tumor predisposition; Hereditary Cancer Syndrome; Hereditary neoplastic syndrome. Identifiers: Orphanet 140162, MedGen C0027672, MeSH D009386, MONDO:0015356.

Allele frequency attached by ClinVar (database versions not stated): gnomAD 0.00027 and 0.00029; TOPMed 0.00028; 1000 Genomes Project 30x 0.00031; ESP Exome Variant Server 0.00031; gnomAD exomes 0.00031 and 0.00041; 1000 Genomes Project 0.00040; ExAC 0.00044.
gnomAD v4.1: 636 of 1,611,170 alleles (0.039%); highest among the groups gnomAD compares: South Asian, 0.092%; 1 homozygote.

Submissions (11):

Center for Genomic Medicine, Rigshospitalet, Copenhagen University Hospital
Classification: Likely benign. Last evaluated: 2025-03-04. Review status: criteria provided, single submitter. Criteria: ACMG Guidelines, 2015. Collection method: clinical testing. Allele origin: germline.

Molecular Diagnostics Laboratory, Catalan Institute of Oncology
Classification: Uncertain significance for Hereditary cancer-predisposing syndrome. Last evaluated: 2024-12-22. Review status: criteria provided, single submitter. Criteria: MMR VCEP Paper Draft V3.1. Collection method: clinical testing. Allele origin: germline.
Comment: BS1 The c.-18G>T variant in the MSH6 gene alters a nucleotide located in the untranslated mRNA region upstream of the ATG translational start site of the gene. This variant is found in 26/30152 with an filter allele frequency of 0.6% in the gnomAD v2.1.1 database (South Asian exome non-cancer data set)(BS1). To our knowledge, functional studies have not been reported for this variant. This variant has been reported in ClinVar database (1x uncertain significance, 5x likely benign, 2x benign), in LOVD database (3x uncertain significance, 3x likely benign) and classified as ‘Class 3:uncertain’ by Insight database (‘insuficient evidence’2013/09/05). The variant has been identified in a colorectal patient with an MSI-low tumor (PMID: 17095871). Based on currently available information, the variant c.-18G>T is classified as an uncertain significance variant according to ACMG guidelines.

Blueprint Genetics
Classification: Likely benign. Last evaluated: 2024-11-06. Review status: criteria provided, single submitter. Criteria: ACMG Guidelines, 2015. Collection method: clinical testing. Allele origin: germline.

CHEO Genetics Diagnostic Laboratory, Children's Hospital of Eastern Ontario
Classification: Likely benign for Breast and/or ovarian cancer. Last evaluated: 2023-05-05. Review status: criteria provided, single submitter. Criteria: ACMG Guidelines, 2015. Collection method: clinical testing. Allele origin: germline.

Color Diagnostics, LLC DBA Color Health
Classification: Likely benign for Hereditary cancer-predisposing syndrome. Last evaluated: 2022-01-02. Review status: criteria provided, single submitter. Criteria: ACMG Guidelines, 2015. Collection method: clinical testing. Allele origin: germline.

Institute for Clinical Genetics, University Hospital TU Dresden, University Hospital TU Dresden
Classification: Uncertain significance. Last evaluated: 2021-11-03. Review status: criteria provided, single submitter. Criteria: ACMG Guidelines, 2015. Collection method: clinical testing. Allele origin: germline.

Ambry Genetics
Classification: Likely benign for Hereditary cancer-predisposing syndrome. Last evaluated: 2019-01-18. Review status: criteria provided, single submitter. Criteria: Ambry Variant Classification Scheme 2023. Collection method: clinical testing. Allele origin: germline.

Women's Health and Genetics/Laboratory Corporation of America, LabCorp
Classification: Benign. Last evaluated: 2018-04-13. Review status: criteria provided, single submitter. Criteria: LabCorp Variant Classification Summary - May 2015. Collection method: clinical testing. Allele origin: germline.
Comment: Variant summary: MSH6 c.-18G>T is located in the untranslated mRNA region upstream of the initiation codon. The variant was observed with an allele frequency of 0.0003 in 270744 control chromosomes (gnomAD). The observed variant frequency is approximately 2-folds higher than the estimated maximal expected allele frequency for a pathogenic variant in MSH6 causing Lynch Syndrome phenotype (0.00014), strongly suggesting that the variant is benign. The variant, c.-18G>T, has been reported in the literature in an individual affected with Lynch Syndrome (Lamberti_2006). These report(s) do not provide unequivocal conclusions about association of the variant with Lynch Syndrome. To our knowledge, no experimental evidence demonstrating an impact on protein function has been reported. A ClinVar submission from a clinical diagnostic laboratory (evaluation after 2014) cites the variant as "likely benign." Based on the evidence outlined above, the variant was classified as benign.

GeneDx
Classification: Benign. Last evaluated: 2014-06-17. Review status: criteria provided, single submitter. Criteria: GeneDx Variant Classification (06012015). Collection method: clinical testing. Allele origin: germline. Affected: yes.
Comment: This variant is considered likely benign or benign based on one or more of the following criteria: it is a conservative change, it occurs at a poorly conserved position in the protein, it is predicted to be benign by multiple in silico algorithms, and/or has population frequency not consistent with disease.

Clinical Genetics, Academic Medical Center
Classification: Likely benign. Review status: no assertion criteria provided. Collection method: clinical testing. Allele origin: germline. Affected: yes. Study: VKGL Data-share Consensus. Not counted in ClinVar's aggregate classification.

Joint Genome Diagnostic Labs from Nijmegen and Maastricht, Radboudumc and MUMC+
Classification: Likely benign. Review status: no assertion criteria provided. Collection method: clinical testing. Allele origin: germline. Affected: yes. Study: VKGL Data-share Consensus. Not counted in ClinVar's aggregate classification.

Literature cited by the submitters: PubMed 17095871 (cited by Women's Health and Genetics/Laboratory Corporation of America, LabCorp).